The following is an entry in ClinVar:

ClinVar aggregate classification (germline): Likely benign. Review status: criteria provided, multiple submitters, no conflicts (2 of 4 stars). 4 submissions from 4 submitters: Likely benign (4). Last evaluated 2026-05-01.

Conditions:
RYR1-related disorder. Also called: RYR1-related disorders; RYR1-related condition. Identifiers: MedGen CN239331.
Malignant hyperthermia, susceptibility to, 1 (MHS1). Also called: RYR1-Related Malignant Hyperthermia Susceptibility; Anesthesia related hyperthermia; Malignant hyperpyrexia; Fulminating hyperpyrexia; Pharmacogenic myopathy; Malignant hyperthermia suceptibility 1. Identifiers: Orphanet 423, MedGen C2930980, MONDO:0007783, OMIM 145600.

Allele frequency attached by ClinVar (database versions not stated): TOPMed 0.00005; 1000 Genomes Project 30x 0.00016; gnomAD exomes below 0.00001; gnomAD 0.00001 and 0.00002.
gnomAD v4.1: 7 of 1,558,100 alleles (0.00045%); highest among the groups gnomAD compares: Admixed American, 0.013%; no homozygotes.

Submissions (4):

CeGaT Center for Human Genetics Tuebingen
Classification: Likely benign. Last evaluated: 2026-05-01. Review status: criteria provided, single submitter. Criteria: CeGaT Center For Human Genetics Tuebingen Variant Classification Criteria Version 2. Collection method: clinical testing. Allele origin: germline. Affected: yes. Observed: 1 variant allele.
Comment: RYR1: BP4, BP7

Labcorp Genetics (formerly Invitae), Labcorp
Classification: Likely benign for RYR1-related disorder. Last evaluated: 2026-01-09. Review status: criteria provided, single submitter. Criteria: Invitae Variant Classification Sherloc (09022015). Collection method: clinical testing. Allele origin: germline.

All of Us Research Program, National Institutes of Health
Classification: Likely benign for Malignant hyperthermia, susceptibility to, 1. Last evaluated: 2023-12-13. Review status: criteria provided, single submitter. Criteria: ACMG Guidelines, 2015. Collection method: clinical testing. Allele origin: germline. Inheritance: Autosomal dominant inheritance. Observed: 6 variant alleles, 6 heterozygotes.
Comment: This study involves interpretation of variants in research participants for the purpose of population health screening. Participant phenotype was not available at the time of variant classification. Additional details can be found in publication PMID: 35346344, PMCID: PMC8962531

Blueprint Genetics
Classification: Likely benign. Last evaluated: 2022-12-09. Review status: criteria provided, single submitter. Criteria: ACMG Guidelines, 2015. Collection method: clinical testing. Allele origin: germline.

NM_000540.3(RYR1):c.3153C>T (p.Asn1051=)

Gene: RYR1 (ryanodine receptor 1; plus strand). Cytogenetic location: 19q13.2.
Variant type: single nucleotide variant.
Coding change: c.3153C>T on transcript NM_000540.3 (MANE Select); coding-DNA position 3153, C replaced by T.
Protein change: p.Asn1051=; no amino-acid change (asparagine 1051 retained).
Molecular consequence: synonymous variant.
Genome position (GRCh38, 1-based): chr19:38,466,373, C>T. VCF-style: chr19-38466373-C-T. GRCh37 (hg19) VCF-style: chr19-38957013-C-T.
Other names: c.3153C>T, p.Asn1051= (NM_001042723.2).
Identifiers: ClinVar variation 544496 (VCV000544496.12), dbSNP rs915828603, ClinGen allele CA308076121.